The following is an entry in ClinVar:

NC_000005.9:g.(?_65367977)_(65368139_?)del

Gene: ERBIN (erbb2 interacting protein; plus strand). Cytogenetic location: 5q12.3.
Variant type: Deletion.
Identifiers: ClinVar variation 1410373 (VCV001410373.5).

ClinVar aggregate classification (germline): Uncertain significance (1 of 4 stars; one submission).

Submission:

Labcorp Genetics (formerly Invitae), Labcorp
Classification: Uncertain significance. Last evaluated: 2022-08-19. Review status: criteria provided, single submitter. Criteria: Invitae Variant Classification Sherloc (09022015). Collection method: clinical testing. Allele origin: germline.
Comment: In summary, the available evidence is currently insufficient to determine the role of this variant in disease. Therefore, it has been classified as a Variant of Uncertain Significance. Experimental studies and prediction algorithms are not available or were not evaluated, and the functional significance of this variant is currently unknown. This variant has not been reported in the literature in individuals affected with ERBIN-related conditions. This variant is a gross deletion of the genomic region encompassing exon(s) 22 of the ERBIN gene. This variant would be expected to be in-frame, preserving the integrity of the reading frame.